The following is an entry in ClinVar:

ClinVar aggregate classification (germline): Likely pathogenic (1 of 4 stars; one submission).

Conditions:
Baller-Gerold syndrome (BGS). Also called: CRANIOSYNOSTOSIS WITH RADIAL DEFECTS. Identifiers: Orphanet 1225, MedGen C0265308, MONDO:0009039, OMIM 218600.

Submission:

Labcorp Genetics (formerly Invitae), Labcorp
Classification: Likely pathogenic for Baller-Gerold syndrome. Last evaluated: 2025-05-21. Review status: criteria provided, single submitter. Criteria: Invitae Variant Classification Sherloc (09022015). Collection method: clinical testing. Allele origin: germline.
Comment: This sequence change affects a donor splice site in intron 7 of the RECQL4 gene. It is expected to disrupt RNA splicing. Variants that disrupt the donor or acceptor splice site typically lead to a loss of protein function (PMID: 16199547), and loss-of-function variants in RECQL4 are known to be pathogenic (PMID: 12734318, 12952869). This variant is not present in population databases (gnomAD no frequency). This variant has not been reported in the literature in individuals affected with RECQL4-related conditions. ClinVar contains an entry for this variant (Variation ID: 2728585). Algorithms developed to predict the effect of sequence changes on RNA splicing suggest that this variant may disrupt the consensus splice site. In summary, the currently available evidence indicates that the variant is pathogenic, but additional data are needed to prove that conclusively. Therefore, this variant has been classified as Likely Pathogenic.

Literature cited by the submitters: PubMed 16199547; PubMed 12734318; PubMed 12952869.

NM_004260.4(RECQL4):c.1390+1G>A

Gene: RECQL4 (RecQ like helicase 4; minus strand). Cytogenetic location: 8q24.3.
Variant type: single nucleotide variant.
Coding change: c.1390+1G>A on transcript NM_004260.4 (MANE Select); the canonical splice donor site of the intron after coding-DNA position 1390, G replaced by A.
Molecular consequence: splice donor variant.
Genome position (GRCh38, 1-based): chr8:144,515,325, C>T on the plus strand (G>A on the coding strand, the complement: RECQL4 is on the minus strand). VCF-style: chr8-144515325-C-T. GRCh37 (hg19) VCF-style: chr8-145740709-C-T.
Other names: c.1261+1G>A (NM_001413025.1); c.1039+1G>A (NM_001413029.1); c.253+1G>A (NM_001413032.1, NM_001413027.1, NM_001413031.1 and 2 more transcripts); c.319+1G>A (NM_001413035.1, NM_001413040.1, NM_001413021.1 and 8 more transcripts); c.1294+1G>A (NM_001413017.1, NM_001413020.1); c.1390+1G>A (NM_001413039.1, NM_001413033.1, NM_001413018.1 and 2 more transcripts); c.-78+1G>A (NM_001413043.1).
Identifiers: ClinVar variation 2728585 (VCV002728585.3), dbSNP rs1085307090, ClinGen allele CA372685226.